The following is an entry in ClinVar:

ClinVar aggregate classification (germline): Pathogenic/Likely pathogenic. Review status: criteria provided, multiple submitters, no conflicts (2 of 4 stars). 4 submissions from 4 submitters: Pathogenic (3); Likely pathogenic (1). Last evaluated 2024-08-30.

Conditions:
Familial adenomatous polyposis 4 (FAP4). Also called: MSH3-related attenuated familial adenomatous polyposis. Identifiers: Orphanet 480536, MedGen C4310719, MONDO:0044300, OMIM 617100.
Hereditary cancer-predisposing syndrome. Also called: Tumor predisposition; Hereditary neoplastic syndrome; Hereditary Cancer Syndrome; Neoplastic Syndromes, Hereditary. Identifiers: Orphanet 140162, MedGen C0027672, MeSH D009386, MONDO:0015356.
Endometrial carcinoma. Also called: Endometrial carcinoma, somatic. Identifiers: MedGen C0476089, MONDO:0002447, OMIM 608089, HP:0012114.

Submissions (4):

Ambry Genetics
Classification: Pathogenic for Hereditary cancer-predisposing syndrome. Last evaluated: 2024-08-30. Review status: criteria provided, single submitter. Criteria: Ambry Variant Classification Scheme 2023. Collection method: clinical testing. Allele origin: germline.
Comment: The c.1554_1558delGCTCTinsCCTA pathogenic mutation, located in coding exon 10 of the MSH3 gene, results from the deletion of 5 nucleotides and insertion of 4 nucleotides causing a translational frameshift with a predicted alternate stop codon (p.M518Ifs*18). This variant is considered to be rare based on population cohorts in the Genome Aggregation Database (gnomAD). This alteration is expected to result in loss of function by premature protein truncation or nonsense-mediated mRNA decay. As such, this alteration is interpreted as a disease-causing mutation.

Baylor Genetics
Classification: Likely pathogenic for Endometrial carcinoma. Last evaluated: 2023-12-29. Review status: criteria provided, single submitter. Criteria: ACMG Guidelines, 2015. Collection method: clinical testing. Allele origin: unknown.

Myriad Genetics, Inc.
Classification: Pathogenic for Familial adenomatous polyposis 4. Last evaluated: 2023-08-30. Review status: criteria provided, single submitter. Criteria: Myriad Autosomal Dominant, Autosomal Recessive and X-Linked Classification Criteria (2023). Collection method: clinical testing. Allele origin: unknown.
Comment: This variant is considered pathogenic. This variant creates a frameshift predicted to result in premature protein truncation.

Labcorp Genetics (formerly Invitae), Labcorp
Classification: Pathogenic. Last evaluated: 2022-10-30. Review status: criteria provided, single submitter. Criteria: Invitae Variant Classification Sherloc (09022015). Collection method: clinical testing. Allele origin: germline.
Comment: Information on the frequency of this variant in the gnomAD database is not available, as this variant may be reported differently in the database. This variant has not been reported in the literature in individuals affected with MSH3-related conditions. For these reasons, this variant has been classified as Pathogenic. This sequence change creates a premature translational stop signal (p.Met518Ilefs*18) in the MSH3 gene. It is expected to result in an absent or disrupted protein product. Loss-of-function variants in MSH3 are known to be pathogenic (PMID: 27476653).

Literature cited by the submitters: PubMed 27476653 (cited by Labcorp Genetics (formerly Invitae), Labcorp).

NM_002439.5(MSH3):c.1554_1558delinsCCTA (p.Met518fs)

Gene: MSH3 (mutS homolog 3; plus strand). Cytogenetic location: 5q14.1.
Variant type: Indel.
Coding change: c.1554_1558delinsCCTA on transcript NM_002439.5 (MANE Select); coding-DNA positions 1554 to 1558, GCTCT replaced by CCTA.
Protein change: p.Met518fs; shifts the reading frame from methionine 518.
Molecular consequence: frameshift variant.
Genome position (GRCh38, 1-based): chr5:80,728,951-80,728,955, GCTCT replaced by CCTA. VCF-style: chr5-80728951-GCTCT-CCTA. GRCh37 (hg19) VCF-style: chr5-80024770-GCTCT-CCTA.
Other names: c.1554_1558delGCTCTinsCCTA (NM_002439.3); short protein forms M518fs.
Identifiers: ClinVar variation 964854 (VCV000964854.9), dbSNP rs1743355453, ClinGen allele CA1139658910.